The following is an entry in ClinVar:

ClinVar aggregate classification (germline): Benign/Likely benign. Review status: criteria provided, multiple submitters, no conflicts (2 of 4 stars). 5 submissions from 5 submitters: Benign (1); Likely benign (4). Last evaluated 2026-06-23.

Conditions:
Hereditary cancer-predisposing syndrome. Also called: Hereditary neoplastic syndrome; Neoplastic Syndromes, Hereditary; Hereditary Cancer Syndrome; Tumor predisposition. Identifiers: Orphanet 140162, MedGen C0027672, MeSH D009386, MONDO:0015356.
Retinoblastoma (RB1). Also called: RETINOBLASTOMA, SOMATIC. Identifiers: Orphanet 790, MedGen C0035335, MeSH D012175, MONDO:0008380, OMIM 180200, HP:0009919. Disease mechanism: loss of function. Inheritance: Both sporadic and heritable forms are tested..

Allele frequency attached by ClinVar (database versions not stated): gnomAD 0.00004 and 0.00005; gnomAD exomes below 0.00001; TOPMed 0.00002.
gnomAD v4.1: 48 of 1,610,046 alleles (0.003%); highest among the groups gnomAD compares: Non-Finnish European, 0.0039%; no homozygotes.

Submissions (5):

Myriad Genetics, Inc.
Classification: Benign for Retinoblastoma. Last evaluated: 2026-06-23. Review status: criteria provided, single submitter. Criteria: Myriad Autosomal Dominant, Autosomal Recessive and X-Linked Classification Criteria (2023). Collection method: clinical testing. Allele origin: unknown.
Comment: This variant is considered benign. This variant is a silent/synonymous amino acid change and it is not expected to impact splicing.

Labcorp Genetics (formerly Invitae), Labcorp
Classification: Likely benign for Retinoblastoma. Last evaluated: 2025-12-16. Review status: criteria provided, single submitter. Criteria: Invitae Variant Classification Sherloc (09022015). Collection method: clinical testing. Allele origin: germline.

All of Us Research Program, National Institutes of Health
Classification: Likely benign for Retinoblastoma. Last evaluated: 2024-08-23. Review status: criteria provided, single submitter. Criteria: ACMG Guidelines, 2015. Collection method: clinical testing. Allele origin: germline. Inheritance: Autosomal dominant inheritance. Observed: 4 variant alleles, 4 heterozygotes.
Comment: This study involves interpretation of variants in research participants for the purpose of population health screening. Participant phenotype was not available at the time of variant classification. Additional details can be found in publication PMID: 35346344, PMCID: PMC8962531

Color Diagnostics, LLC DBA Color Health
Classification: Likely benign for Retinoblastoma. Last evaluated: 2022-04-22. Review status: criteria provided, single submitter. Criteria: ACMG Guidelines, 2015. Collection method: clinical testing. Allele origin: germline.

Ambry Genetics
Classification: Likely benign for Hereditary cancer-predisposing syndrome. Last evaluated: 2018-09-17. Review status: criteria provided, single submitter. Criteria: Ambry Variant Classification Scheme 2023. Collection method: clinical testing. Allele origin: germline.

NM_000321.3(RB1):c.180A>G (p.Leu60=)

Gene: RB1 (RB transcriptional corepressor 1; plus strand). Cytogenetic location: 13q14.2.
Variant type: single nucleotide variant.
Coding change: c.180A>G on transcript NM_000321.3 (MANE Select); coding-DNA position 180, A replaced by G.
Protein change: p.Leu60=; no amino-acid change (leucine 60 retained).
Molecular consequence: synonymous variant.
Genome position (GRCh38, 1-based): chr13:48,307,322, A>G. VCF-style: chr13-48307322-A-G. GRCh37 (hg19) VCF-style: chr13-48881458-A-G.
Identifiers: ClinVar variation 237663 (VCV000237663.19), dbSNP rs878853948, ClinGen allele CA10583156.